The following is an entry in ClinVar:

ClinVar aggregate classification (germline): Uncertain significance. Review status: criteria provided, multiple submitters, no conflicts (2 of 4 stars). 2 submissions from 2 submitters: Uncertain significance (2). Last evaluated 2023-08-21.

Conditions:
Ellis-van Creveld syndrome (EVC). Also called: EVC-Related Ellis-van Creveld Syndrome; EVC2-Related Ellis-van Creveld Syndrome; Chondroectodermal dysplasia; MESOECTODERMAL DYSPLASIA. Identifiers: Orphanet 289, MedGen C0013903, MONDO:0009162, OMIM 225500.
Curry-Hall syndrome (WAD). Also called: WEYERS ACRODENTAL DYSOSTOSIS. Identifiers: Orphanet 952, MedGen C0457013, MONDO:0008673, OMIM 193530.
Inborn genetic diseases. Identifiers: MedGen C0950123, MeSH D030342.

Allele frequency attached by ClinVar (database versions not stated): TOPMed 0.00009; gnomAD exomes 0.00019.
gnomAD v4.1: 191 of 1,023,790 alleles (0.019%); highest among the groups gnomAD compares: Non-Finnish European, 0.021%; no homozygotes.

Submissions (2):

Ambry Genetics
Classification: Uncertain significance for Inborn genetic diseases. Last evaluated: 2023-08-21. Review status: criteria provided, single submitter. Criteria: Ambry Variant Classification Scheme 2023. Collection method: clinical testing. Allele origin: germline.

Labcorp Genetics (formerly Invitae), Labcorp
Classification: Uncertain significance for Curry-Hall syndrome; Ellis-van Creveld syndrome. Last evaluated: 2021-08-13. Review status: criteria provided, single submitter. Criteria: Invitae Variant Classification Sherloc (09022015). Collection method: clinical testing. Allele origin: germline.
Comment: This sequence change replaces arginine with leucine at codon 18 of the EVC protein (p.Arg18Leu). The arginine residue is weakly conserved and there is a moderate physicochemical difference between arginine and leucine. The frequency data for this variant in the population databases is considered unreliable, as metrics indicate insufficient coverage at this position in the ExAC database. This variant has not been reported in the literature in individuals affected with EVC-related conditions. Algorithms developed to predict the effect of missense changes on protein structure and function (SIFT, PolyPhen-2, Align-GVGD) all suggest that this variant is likely to be tolerated. In summary, the available evidence is currently insufficient to determine the role of this variant in disease. Therefore, it has been classified as a Variant of Uncertain Significance.

NM_153717.3(EVC):c.53G>T (p.Arg18Leu)

Gene: EVC (EvC ciliary complex subunit 1; plus strand). Cytogenetic location: 4p16.2.
Variant type: single nucleotide variant.
Coding change: c.53G>T on transcript NM_153717.3 (MANE Select); coding-DNA position 53, G replaced by T.
Protein change: p.Arg18Leu; replaces arginine 18 with leucine.
Molecular consequence: missense variant.
Genome position (GRCh38, 1-based): chr4:5,711,433, G>T. VCF-style: chr4-5711433-G-T. GRCh37 (hg19) VCF-style: chr4-5713160-G-T.
Other names: c.53G>T, p.Arg18Leu (NM_001306090.2, NM_001306092.2); c.53G>T (NM_153717.2); short protein forms R18L.
Identifiers: ClinVar variation 2097138 (VCV002097138.3), dbSNP rs997054588, ClinGen allele CA91734882.
Genomic context (GRCh38, chr4:5,711,433, plus strand): 5'-CGCCCCGGATGGCCCGCGGCGGGGCGGCCTGCAAGAGCGACGCGCGGCTGCTGCTGGGGC[G>T]GGACGCGCTGCGGCCGGCGCCCGCCCTGCTGGCCCCCGCCGTGCTGCTGGGCGCCGCGCT-3'
Protein context (NP_714928.1, residues 8-28): CKSDARLLLG[Arg18Leu]DALRPAPALL